The following is an entry in ClinVar:

ClinVar aggregate classification (germline): Uncertain significance. Review status: criteria provided, multiple submitters, no conflicts (2 of 4 stars). 4 submissions from 4 submitters: Uncertain significance (4). Last evaluated 2024-05-06.

Conditions:
Epiphyseal dysplasia, multiple, 6. Also called: COL9A1-Related Multiple Epiphyseal Dysplasia. Identifiers: MedGen C2675767, MONDO:0013591, OMIM 614135.
Stickler syndrome, type 4 (STL4). Identifiers: Orphanet 250984, Orphanet 828, MedGen C3279941, MONDO:0013590, OMIM 614134.
Inborn genetic diseases. Identifiers: MedGen C0950123, MeSH D030342.

Allele frequency attached by ClinVar (database versions not stated): ExAC 0.00001; gnomAD exomes 0.00001 and 0.00002; TOPMed 0.00002.
gnomAD v4.1: 11 of 1,614,094 alleles (0.00068%); highest among the groups gnomAD compares: Admixed American, 0.0033%; no homozygotes.

Submissions (4):

GeneDx
Classification: Uncertain significance. Last evaluated: 2024-05-06. Review status: criteria provided, single submitter. Criteria: GeneDx Variant Classification Process June 2021. Collection method: clinical testing. Allele origin: germline. Affected: yes.
Comment: Not observed at significant frequency in large population cohorts (gnomAD); In silico analysis supports that this missense variant has a deleterious effect on protein structure/function; Has not been previously published as pathogenic or benign to our knowledge

Labcorp Genetics (formerly Invitae), Labcorp
Classification: Uncertain significance. Last evaluated: 2022-10-05. Review status: criteria provided, single submitter. Criteria: Invitae Variant Classification Sherloc (09022015). Collection method: clinical testing. Allele origin: germline.
Comment: This sequence change replaces proline, which is neutral and non-polar, with leucine, which is neutral and non-polar, at codon 757 of the COL9A1 protein (p.Pro757Leu). This variant is present in population databases (rs757218488, gnomAD 0.006%). This variant has not been reported in the literature in individuals affected with COL9A1-related conditions. ClinVar contains an entry for this variant (Variation ID: 1381175). Advanced modeling of protein sequence and biophysical properties (such as structural, functional, and spatial information, amino acid conservation, physicochemical variation, residue mobility, and thermodynamic stability) performed at Invitae indicates that this missense variant is not expected to disrupt COL9A1 protein function. In summary, the available evidence is currently insufficient to determine the role of this variant in disease. Therefore, it has been classified as a Variant of Uncertain Significance.

Ambry Genetics
Classification: Uncertain significance for Inborn genetic diseases. Last evaluated: 2022-05-18. Review status: criteria provided, single submitter. Criteria: Ambry Variant Classification Scheme 2023. Collection method: clinical testing. Allele origin: germline.

Fulgent Genetics
Classification: Uncertain significance for Stickler syndrome, type 4; Epiphyseal dysplasia, multiple, 6. Last evaluated: 2021-07-25. Review status: criteria provided, single submitter. Criteria: ACMG Guidelines, 2015. Collection method: clinical testing. Allele origin: unknown.

NM_001851.6(COL9A1):c.2270C>T (p.Pro757Leu)

Gene: COL9A1 (collagen type IX alpha 1 chain; minus strand). Cytogenetic location: 6q13.
Variant type: single nucleotide variant.
Coding change: c.2270C>T on transcript NM_001851.6 (MANE Select); coding-DNA position 2270, C replaced by T.
Protein change: p.Pro757Leu; replaces proline 757 with leucine.
Molecular consequence: missense variant. On other transcripts: non-coding transcript variant (1).
Genome position (GRCh38, 1-based): chr6:70,234,583, G>A on the plus strand (C>T on the coding strand, the complement: COL9A1 is on the minus strand). VCF-style: chr6-70234583-G-A. GRCh37 (hg19) VCF-style: chr6-70944286-G-A.
Other names: c.1571C>T, p.Pro524Leu (NM_001377289.1); c.1394C>T, p.Pro465Leu (NM_001377290.1); c.1541C>T, p.Pro514Leu (NM_078485.4); short protein forms P524L, P465L, P514L, P757L.
Identifiers: ClinVar variation 1381175 (VCV001381175.8), dbSNP rs757218488, ClinGen allele CA3881807.